The following is an entry in ClinVar:

ClinVar aggregate classification (germline): Conflicting classifications of pathogenicity. Review status: criteria provided, conflicting classifications (1 of 4 stars). 6 submissions from 6 submitters: Uncertain significance (1); Likely benign (5). Last evaluated 2026-05-01.

Conditions:
Glycogen storage disease IXb (GSD9B). Also called: GLYCOGENOSIS OF LIVER AND MUSCLE, AUTOSOMAL RECESSIVE; GSD IXb; PHOSPHORYLASE KINASE DEFICIENCY OF LIVER AND MUSCLE, AUTOSOMAL RECESSIVE. Identifiers: Orphanet 79240, MedGen C0543514, MONDO:0009868, OMIM 261750.

Allele frequency attached by ClinVar (database versions not stated): gnomAD exomes 0.00010 and 0.00014; ExAC 0.00022; ESP Exome Variant Server 0.00062; gnomAD 0.00066 and 0.00074; TOPMed 0.00072; 1000 Genomes Project 30x 0.00109; 1000 Genomes Project 0.00120.
gnomAD v4.1: 267 of 1,610,656 alleles (0.017%); highest among the groups gnomAD compares: African/African-American, 0.28%; 4 homozygotes.

Submissions (6):

CeGaT Center for Human Genetics Tuebingen
Classification: Likely benign. Last evaluated: 2026-05-01. Review status: criteria provided, single submitter. Criteria: CeGaT Center For Human Genetics Tuebingen Variant Classification Criteria Version 2. Collection method: clinical testing. Allele origin: germline. Affected: yes. Observed: 2 variant alleles.
Comment: PHKB: BP4, BP7

Labcorp Genetics (formerly Invitae), Labcorp
Classification: Likely benign for Glycogen storage disease IXb. Last evaluated: 2026-02-01. Review status: criteria provided, single submitter. Criteria: Invitae Variant Classification Sherloc (09022015). Collection method: clinical testing. Allele origin: germline.

Mayo Clinic Laboratories, Mayo Clinic
Classification: Likely benign. Last evaluated: 2025-08-15. Review status: criteria provided, single submitter. Criteria: ACMG Guidelines, 2015. Collection method: clinical testing. Allele origin: germline. Observed: 3 variant alleles.
Comment: BP4, BP7

Blueprint Genetics
Classification: Likely benign. Last evaluated: 2024-11-26. Review status: criteria provided, single submitter. Criteria: ACMG Guidelines, 2015. Collection method: clinical testing. Allele origin: germline.

GeneDx
Classification: Likely benign. Last evaluated: 2018-03-13. Review status: criteria provided, single submitter. Criteria: GeneDx Variant Classification (06012015). Collection method: clinical testing. Allele origin: germline. Affected: yes.
Comment: This variant is considered likely benign or benign based on one or more of the following criteria: it is a conservative change, it occurs at a poorly conserved position in the protein, it is predicted to be benign by multiple in silico algorithms, and/or has population frequency not consistent with disease.

Illumina Laboratory Services, Illumina
Classification: Uncertain significance for Glycogen storage disease IXb. Last evaluated: 2018-01-12. Review status: criteria provided, single submitter. Criteria: ICSL Variant Classification Criteria 13 December 2019. Collection method: clinical testing. Allele origin: germline.

NM_000293.3(PHKB):c.1746A>G (p.Leu582=)

Gene: PHKB (phosphorylase kinase regulatory subunit beta; plus strand). Cytogenetic location: 16q12.1.
Variant type: single nucleotide variant.
Coding change: c.1746A>G on transcript NM_000293.3 (MANE Select); coding-DNA position 1746, A replaced by G.
Protein change: p.Leu582=; no amino-acid change (leucine 582 retained).
Molecular consequence: synonymous variant.
Genome position (GRCh38, 1-based): chr16:47,649,153, A>G. VCF-style: chr16-47649153-A-G. GRCh37 (hg19) VCF-style: chr16-47683064-A-G.
Other names: p.Leu582=; c.1725A>G, p.Leu575= (NM_001031835.3); c.1746A>G, p.Leu582= (NM_001363837.1).
Identifiers: ClinVar variation 319348 (VCV000319348.42), dbSNP rs111970242, ClinGen allele CA8040950.